The following is an entry in ClinVar:

NM_000748.3(CHRNB2):c.1204G>A (p.Ala402Thr)

Gene: CHRNB2 (cholinergic receptor nicotinic beta 2 subunit; plus strand). Cytogenetic location: 1q21.3.
Variant type: single nucleotide variant.
Coding change: c.1204G>A on transcript NM_000748.3 (MANE Select); coding-DNA position 1204, G replaced by A.
Protein change: p.Ala402Thr; replaces alanine 402 with threonine.
Molecular consequence: missense variant.
Genome position (GRCh38, 1-based): chr1:154,572,027, G>A. VCF-style: chr1-154572027-G-A. GRCh37 (hg19) VCF-style: chr1-154544503-G-A.
Other names: short protein forms A402T.
Identifiers: ClinVar variation 420139 (VCV000420139.8), dbSNP rs199658508, ClinGen allele CA16616987.

ClinVar aggregate classification (germline): Conflicting classifications of pathogenicity. Review status: criteria provided, conflicting classifications (1 of 4 stars). 3 submissions from 3 submitters: Uncertain significance (2); Likely benign (1). Last evaluated 2025-06-26.

Conditions:
Inborn genetic diseases. Identifiers: MedGen C0950123, MeSH D030342.
Familial sleep-related hypermotor epilepsy. Also called: Autosomal Dominant Sleep-Related Hypermotor (Hyperkinetic) Epilepsy. Identifiers: Orphanet 98784, MedGen C3696898, MONDO:0000030.

Allele frequency attached by ClinVar (database versions not stated): gnomAD 0.00001; TOPMed 0.00001; gnomAD exomes 0.00002.
gnomAD v4.1: 25 of 1,533,562 alleles (0.0016%); highest among the groups gnomAD compares: Admixed American, 0.0079%; no homozygotes.

Submissions (3):

Labcorp Genetics (formerly Invitae), Labcorp
Classification: Uncertain significance. Last evaluated: 2025-06-26. Review status: criteria provided, single submitter. Criteria: Invitae Variant Classification Sherloc (09022015). Collection method: clinical testing. Allele origin: germline.
Comment: This sequence change replaces alanine, which is neutral and non-polar, with threonine, which is neutral and polar, at codon 402 of the CHRNB2 protein (p.Ala402Thr). This variant is present in population databases (rs199658508, gnomAD 0.004%). This variant has not been reported in the literature in individuals affected with CHRNB2-related conditions. ClinVar contains an entry for this variant (Variation ID: 420139). Invitae Evidence Modeling of protein sequence and biophysical properties (such as structural, functional, and spatial information, amino acid conservation, physicochemical variation, residue mobility, and thermodynamic stability) indicates that this missense variant is not expected to disrupt CHRNB2 protein function with a negative predictive value of 95%. In summary, the available evidence is currently insufficient to determine the role of this variant in disease. Therefore, it has been classified as a Variant of Uncertain Significance.

Ambry Genetics
Classification: Likely benign for Inborn genetic diseases. Last evaluated: 2021-04-01. Review status: criteria provided, single submitter. Criteria: Ambry Variant Classification Scheme 2023. Collection method: clinical testing. Allele origin: germline.

GeneDx
Classification: Uncertain significance. Last evaluated: 2016-08-16. Review status: criteria provided, single submitter. Criteria: GeneDx Variant Classification (06012015). Collection method: clinical testing. Allele origin: germline. Affected: yes.
Comment: The A402T variant has not been published as a pathogenic variant, nor has it been reported as a benign variant to our knowledge. It was not observed in approximately 4,400 individuals of European and African American ancestry in the NHLBI Exome Sequencing Project, indicating it is not a common benign variant in these populations. The A402T variant is a non-conservative amino acid substitution, which is likely to impact secondary protein structure as these residues differ in polarity, charge, size and/or other properties. However, this substitution occurs at a position that is not conserved. In silico analysis predicts this variant likely does not alter the protein structure/function. Additionally, this amino acid substitution is not predicted to occur within the transmembrane region of the protein, where the vast majority of pathogenic missense variants have been identified in association with epilepsy (Steinlein et al., 2010).